The following is an entry in ClinVar:

ClinVar aggregate classification (germline): Uncertain significance (1 of 4 stars; one submission).

Submission:

CeGaT Center for Human Genetics Tuebingen
Classification: Uncertain significance. Last evaluated: 2024-04-01. Review status: criteria provided, single submitter. Criteria: CeGaT Center For Human Genetics Tuebingen Variant Classification Criteria Version 2. Collection method: clinical testing. Allele origin: germline. Affected: yes. Observed: 1 variant allele.
Comment: MYOM2: PM2, BP4

NM_003970.4(MYOM2):c.3623A>G (p.Gln1208Arg)

Gene: MYOM2 (myomesin 2; plus strand). Cytogenetic location: 8p23.3.
Variant type: single nucleotide variant.
Coding change: c.3623A>G on transcript NM_003970.4 (MANE Select); coding-DNA position 3623, A replaced by G.
Protein change: p.Gln1208Arg; replaces glutamine 1208 with arginine.
Molecular consequence: missense variant.
Genome position (GRCh38, 1-based): chr8:2,123,610, A>G. VCF-style: chr8-2123610-A-G. GRCh37 (hg19) VCF-style: chr8-2071483-A-G.
Other names: short protein forms Q1208R.
Identifiers: ClinVar variation 3234692 (VCV003234692.20), dbSNP rs2486066388, ClinGen allele CA369995748.